The following is an entry in ClinVar:

ClinVar aggregate classification (germline): Uncertain significance (1 of 4 stars; one submission).

Conditions:
Hereditary cancer-predisposing syndrome. Also called: Neoplastic Syndromes, Hereditary; Tumor predisposition; Hereditary neoplastic syndrome; Hereditary Cancer Syndrome. Identifiers: Orphanet 140162, MedGen C0027672, MeSH D009386, MONDO:0015356.

gnomAD v4.1: 4 of 1,596,696 alleles (0.00025%); highest among the groups gnomAD compares: Non-Finnish European, 0.00034%; no homozygotes.

Submission:

Ambry Genetics
Classification: Uncertain significance for Hereditary cancer-predisposing syndrome. Last evaluated: 2026-07-07. Review status: criteria provided, single submitter. Criteria: Ambry Variant Classification Scheme 2023. Collection method: clinical testing. Allele origin: germline.
Comment: The p.P140S variant (also known as c.418C>T), located in coding exon 3 of the FLCN gene, results from a C to T substitution at nucleotide position 418. The proline at codon 140 is replaced by serine, an amino acid with similar properties. This amino acid position is conserved. In addition, this alteration is predicted to be deleterious by in silico analysis. Based on the available evidence, the clinical significance of this variant remains unclear.

NM_144997.7(FLCN):c.418C>T (p.Pro140Ser)

Gene: FLCN (folliculin; minus strand). Cytogenetic location: 17p11.2.
Variant type: single nucleotide variant.
Coding change: c.418C>T on transcript NM_144997.7 (MANE Select); coding-DNA position 418, C replaced by T.
Protein change: p.Pro140Ser; replaces proline 140 with serine.
Molecular consequence: missense variant.
Genome position (GRCh38, 1-based): chr17:17,224,122, G>A on the plus strand (C>T on the coding strand, the complement: FLCN is on the minus strand). VCF-style: chr17-17224122-G-A. GRCh37 (hg19) VCF-style: chr17-17127436-G-A.
Other names: c.472C>T, p.Pro158Ser (NM_001353229.2); c.418C>T, p.Pro140Ser (NM_001353230.2, NM_001353231.2, NM_144606.7); short protein forms P140S, P158S.
Identifiers: ClinVar variation 5021847 (VCV005021847.1).
Genomic context (GRCh38, chr17:17,224,122, plus strand): 5'-CCTTGATGAAGAAGGTGTGGCTGAACACAAAGCCGTGCTGCTCATCTCCGAAGAAGATGG[G>A]GCCTTCACGGCCAGGGCAGACCTGGAGGGACACCGGCGACTCAGACAGCCCTTTCCTCGC-3'
Protein context (NP_659434.2, residues 130-150): SCEVCPGREG[Pro140Ser]IFFGDEQHGF